The following is an entry in ClinVar:

ClinVar aggregate classification (germline): Uncertain significance (1 of 4 stars; one submission).

gnomAD v4.1: 1 of 1,614,142 alleles (0.000062%); highest among the groups gnomAD compares: Admixed American, 0.0017%; no homozygotes.

Submission:

Labcorp Genetics (formerly Invitae), Labcorp
Classification: Uncertain significance. Last evaluated: 2024-11-04. Review status: criteria provided, single submitter. Criteria: Invitae Variant Classification Sherloc (09022015). Collection method: clinical testing. Allele origin: germline.
Comment: This sequence change falls in intron 5 of the RFWD3 gene. It does not directly change the encoded amino acid sequence of the RFWD3 protein. It affects a nucleotide within the consensus splice site. This variant is not present in population databases (gnomAD no frequency). This variant has not been reported in the literature in individuals affected with RFWD3-related conditions. ClinVar contains an entry for this variant (Variation ID: 1993818). Variants that disrupt the consensus splice site are a relatively common cause of aberrant splicing (PMID: 17576681, 9536098). Algorithms developed to predict the effect of sequence changes on RNA splicing suggest that this variant is not likely to affect RNA splicing. In summary, the available evidence is currently insufficient to determine the role of this variant in disease. Therefore, it has been classified as a Variant of Uncertain Significance.

Literature cited by the submitters: PubMed 17576681; PubMed 9536098.

NM_018124.4(RFWD3):c.987+6G>T

Gene: RFWD3 (ring finger and WD repeat domain 3; minus strand). Cytogenetic location: 16q23.1.
Variant type: single nucleotide variant.
Coding change: c.987+6G>T on transcript NM_018124.4 (MANE Select); 6 bases into the intron after coding-DNA position 987, G replaced by T.
Molecular consequence: intron variant.
Genome position (GRCh38, 1-based): chr16:74,644,535, C>A on the plus strand (G>T on the coding strand, the complement: RFWD3 is on the minus strand). VCF-style: chr16-74644535-C-A. GRCh37 (hg19) VCF-style: chr16-74678433-C-A.
Other names: c.987+6G>T (NM_001370534.1, NM_001370536.1, NM_001370535.1); c.153+6G>T (NM_001370539.1, NM_001370537.1, NM_001370543.1 and 2 more transcripts).
Identifiers: ClinVar variation 1993818 (VCV001993818.4), dbSNP rs1412493632, ClinGen allele CA2580091975.